The following is an entry in ClinVar:

NM_006231.4(POLE):c.1043T>A (p.Phe348Tyr)

Gene: POLE (DNA polymerase epsilon, catalytic subunit; minus strand). Cytogenetic location: 12q24.33.
Variant type: single nucleotide variant.
Coding change: c.1043T>A on transcript NM_006231.4 (MANE Select); coding-DNA position 1043, T replaced by A.
Protein change: p.Phe348Tyr; replaces phenylalanine 348 with tyrosine.
Molecular consequence: missense variant.
Genome position (GRCh38, 1-based): chr12:132,675,798, A>T on the plus strand (T>A on the coding strand, the complement: POLE is on the minus strand). VCF-style: chr12-132675798-A-T. GRCh37 (hg19) VCF-style: chr12-133252384-A-T.
Other names: short protein forms F348Y.
Identifiers: ClinVar variation 1483210 (VCV001483210.8), dbSNP rs2136011816, ClinGen allele CA387361739.

ClinVar aggregate classification (germline): Uncertain significance (1 of 4 stars; one submission).

Submission:

Labcorp Genetics (formerly Invitae), Labcorp
Classification: Uncertain significance. Last evaluated: 2025-07-30. Review status: criteria provided, single submitter. Criteria: Invitae Variant Classification Sherloc (09022015). Collection method: clinical testing. Allele origin: germline.
Comment: This sequence change replaces phenylalanine, which is neutral and non-polar, with tyrosine, which is neutral and polar, at codon 348 of the POLE protein (p.Phe348Tyr). This variant is not present in population databases (gnomAD no frequency). This variant has not been reported in the literature in individuals affected with POLE-related conditions. ClinVar contains an entry for this variant (Variation ID: 1483210). Invitae Evidence Modeling of protein sequence and biophysical properties (such as structural, functional, and spatial information, amino acid conservation, physicochemical variation, residue mobility, and thermodynamic stability) indicates that this missense variant is not expected to disrupt POLE protein function with a negative predictive value of 80%. In summary, the available evidence is currently insufficient to determine the role of this variant in disease. Therefore, it has been classified as a Variant of Uncertain Significance.